The following is an entry in ClinVar:

ClinVar aggregate classification (germline): Likely pathogenic (1 of 4 stars; one submission).

Submissions (2):

Labcorp Genetics (formerly Invitae), Labcorp
Classification: Likely pathogenic. Last evaluated: 2023-02-27. Review status: criteria provided, single submitter. Criteria: Invitae Variant Classification Sherloc (09022015). Collection method: clinical testing. Allele origin: germline.
Comment: This variant is not present in population databases (gnomAD no frequency). This sequence change affects a donor splice site in intron 16 of the SCLT1 gene. It is expected to disrupt RNA splicing. Variants that disrupt the donor or acceptor splice site typically lead to a loss of protein function (PMID: 16199547), and loss-of-function variants in SCLT1 are known to be pathogenic (PMID: 28005958). This variant has not been reported in the literature in individuals affected with SCLT1-related conditions. In summary, the currently available evidence indicates that the variant is pathogenic, but additional data are needed to prove that conclusively. Therefore, this variant has been classified as Likely Pathogenic. Algorithms developed to predict the effect of sequence changes on RNA splicing suggest that this variant may disrupt the consensus splice site.

Dr. Peter K. Rogan Lab, Western University
No classification provided (evidence only). Condition: Ovarian serous cystadenocarcinoma. Review status: no classification provided. Collection method: in vitro. Allele origin: not applicable. Functional consequence: retained intron. Not counted in ClinVar's aggregate classification.

Literature cited by the submitters: PubMed 16199547 (cited by Labcorp Genetics (formerly Invitae), Labcorp); PubMed 28005958 (cited by Labcorp Genetics (formerly Invitae), Labcorp).

NM_144643.4(SCLT1):c.1439+1G>A

Gene: SCLT1 (sodium channel and clathrin linker 1; minus strand). Cytogenetic location: 4q28.2.
Variant type: single nucleotide variant.
Coding change: c.1439+1G>A on transcript NM_144643.4 (MANE Select); the canonical splice donor site of the intron after coding-DNA position 1439, G replaced by A.
Molecular consequence: splice donor variant.
Genome position (GRCh38, 1-based): chr4:128,946,006, C>T on the plus strand (G>A on the coding strand, the complement: SCLT1 is on the minus strand). VCF-style: chr4-128946006-C-T. GRCh37 (hg19) VCF-style: chr4-129867161-C-T.
Other names: c.1439+1G>A (NM_001410807.1).
Identifiers: ClinVar variation 2838777 (VCV002838777.4), dbSNP rs779357435, ClinGen allele CA358186381.